The following is an entry in ClinVar:

NM_019066.5(MAGEL2):c.1298C>A (p.Ala433Asp)

Gene: MAGEL2 (MAGE family member L2; minus strand). Cytogenetic location: 15q11.2.
Variant type: single nucleotide variant.
Coding change: c.1298C>A on transcript NM_019066.5 (MANE Select); coding-DNA position 1298, C replaced by A.
Protein change: p.Ala433Asp; replaces alanine 433 with aspartic acid.
Molecular consequence: missense variant.
Genome position (GRCh38, 1-based): chr15:23,646,445, G>T on the plus strand (C>A on the coding strand, the complement: MAGEL2 is on the minus strand). VCF-style: chr15-23646445-G-T. GRCh37 (hg19) VCF-style: chr15-23891592-G-T.
Other names: c.1298C>A (NM_019066.4); short protein forms A433D.
Identifiers: ClinVar variation 2433615 (VCV002433615.6), dbSNP rs896538088, ClinGen allele CA267660529.
Genomic context (GRCh38, chr15:23,646,445, plus strand): 5'-TGGCGGATCACGGGTGGGGCCTGGCGGATCACCGGTGGGGCCTGGCGGATCAGCGGTGGG[G>T]CCTGTCGCACCGGTGGTGGGCCAGGGCGGATGGGTGGTGGGCCAGGGCGGATGGGCGGGG-3'
Protein context (NP_061939.3, residues 423-443): IRPGPPPVRQ[Ala433Asp]PPLIRQAPPV

ClinVar aggregate classification (germline): Uncertain significance. Review status: criteria provided, multiple submitters, no conflicts (2 of 4 stars). 3 submissions from 3 submitters: Uncertain significance (2). 1 of the submissions does not count toward it. Last evaluated 2024-12-15.

Conditions:
MAGEL2-related disorder. Also called: MAGEL2-related condition.
Schaaf-Yang syndrome (SHFYNG). Also called: Arthrogryposis, distal, with hypopituitarism, intellectual disability, and facial anomalies; MAGEL2-related Prader-Willi-like syndrome. Identifiers: Orphanet 398069, MedGen C5575066, MONDO:0014243, OMIM 615547.

Allele frequency attached by ClinVar (database versions not stated): gnomAD 0.00002; TOPMed 0.00003.
gnomAD v4.1: 7 of 1,425,340 alleles (0.00049%); highest among the groups gnomAD compares: African/African-American, 0.0074%; no homozygotes.

Submissions (3):

Labcorp Genetics (formerly Invitae), Labcorp
Classification: Uncertain significance. Last evaluated: 2024-12-15. Review status: criteria provided, single submitter. Criteria: Invitae Variant Classification Sherloc (09022015). Collection method: clinical testing. Allele origin: germline.
Comment: This sequence change replaces alanine, which is neutral and non-polar, with aspartic acid, which is acidic and polar, at codon 433 of the MAGEL2 protein (p.Ala433Asp). This variant is present in population databases (no rsID available, gnomAD 0.02%). This variant has not been reported in the literature in individuals affected with MAGEL2-related conditions. ClinVar contains an entry for this variant (Variation ID: 2433615). Experimental studies and prediction algorithms are not available or were not evaluated, and the functional significance of this variant is currently unknown. In summary, the available evidence is currently insufficient to determine the role of this variant in disease. Therefore, it has been classified as a Variant of Uncertain Significance.

Revvity Omics, Revvity
Classification: Uncertain significance for Schaaf-Yang syndrome. Last evaluated: 2022-08-31. Review status: criteria provided, single submitter. Criteria: ACMG Guidelines, 2015. Collection method: clinical testing. Allele origin: germline.

PreventionGenetics, part of Exact Sciences
Classification: Uncertain significance for MAGEL2-related condition. Last evaluated: 2024-09-25. Review status: no assertion criteria provided. Collection method: clinical testing. Allele origin: germline. Not counted in ClinVar's aggregate classification.
Comment: The MAGEL2 c.1298C>A variant is predicted to result in the amino acid substitution p.Ala433Asp. To our knowledge, this variant has not been reported in the literature. This variant is reported in 0.017% of alleles in individuals of African descent in gnomAD. At this time, the clinical significance of this variant is uncertain due to the absence of conclusive functional and genetic evidence.